The following is an entry in ClinVar:

ClinVar aggregate classification (germline): Pathogenic. Review status: criteria provided, multiple submitters, no conflicts (2 of 4 stars). 2 submissions from 2 submitters: Pathogenic (2). Last evaluated 2023-09-29.

Conditions:
GUCY2D-related disorders.
Leber congenital amaurosis 1 (LCA1). Also called: Congenital absence of the rods and cones; Leber's congenital tapetoretinal degeneration; Leber's congenital tapetoretinal dysplasia; RETINAL BLINDNESS, CONGENITAL; AMAUROSIS CONGENITA OF LEBER I. Identifiers: Orphanet 65, MedGen C2931258, MONDO:0008764, OMIM 204000.
Cone-rod dystrophy 6 (CORD6). Also called: Cone dystrophy progressive; RETINAL CONE DYSTROPHY 2. Identifiers: Orphanet 1872, MedGen C1866293, MONDO:0011143, OMIM 601777.

Submissions (2):

Labcorp Genetics (formerly Invitae), Labcorp
Classification: Pathogenic for Leber congenital amaurosis 1; Cone-rod dystrophy 6. Last evaluated: 2023-09-29. Review status: criteria provided, single submitter. Criteria: Invitae Variant Classification Sherloc (09022015). Collection method: clinical testing. Allele origin: germline.
Comment: For these reasons, this variant has been classified as Pathogenic. This premature translational stop signal has been observed in individual(s) with Leber congenital amaurosis (PMID: 23847139). This variant is not present in population databases (gnomAD no frequency). This sequence change creates a premature translational stop signal (p.Trp372*) in the GUCY2D gene. It is expected to result in an absent or disrupted protein product. Loss-of-function variants in GUCY2D are known to be pathogenic (PMID: 10951519, 11328726).

Blueprint Genetics
Classification: Pathogenic for GUCY2D-related disorders. Last evaluated: 2020-01-30. Review status: criteria provided, single submitter. Criteria: ACMG Guidelines, 2015. Collection method: clinical testing. Allele origin: germline. Affected: yes. Observed: 1 variant allele.

Literature cited by the submitters: PubMed 23847139 (cited by Labcorp Genetics (formerly Invitae), Labcorp); PubMed 10951519 (cited by Labcorp Genetics (formerly Invitae), Labcorp); PubMed 11328726 (cited by Labcorp Genetics (formerly Invitae), Labcorp).

NM_000180.4(GUCY2D):c.1116G>A (p.Trp372Ter)

Gene: GUCY2D (guanylate cyclase 2D, retinal; plus strand). Cytogenetic location: 17p13.1.
Variant type: single nucleotide variant.
Coding change: c.1116G>A on transcript NM_000180.4 (MANE Select); coding-DNA position 1116, G replaced by A.
Protein change: p.Trp372Ter; replaces tryptophan 372 with a stop codon.
Molecular consequence: nonsense.
Genome position (GRCh38, 1-based): chr17:8,006,452, G>A. VCF-style: chr17-8006452-G-A. GRCh37 (hg19) VCF-style: chr17-7909770-G-A.
Other names: short protein forms W372*.
Identifiers: ClinVar variation 2925603 (VCV002925603.4), dbSNP rs770255396, ClinGen allele CA397947776.